The following is an entry in ClinVar:

NM_130839.5(UBE3A):c.1854G>C (p.Leu618=)

Genes: SNHG14 (small nucleolar RNA host gene 14; plus strand), UBE3A (ubiquitin protein ligase E3A; minus strand). Cytogenetic location: 15q11.2.
Variant type: single nucleotide variant.
Coding change: c.1854G>C on transcript NM_130839.5 (MANE Select); coding-DNA position 1854, G replaced by C.
Protein change: p.Leu618=; no amino-acid change (leucine 618 retained).
Molecular consequence: synonymous variant. On other transcripts: non-coding transcript variant (1).
Genome position (GRCh38, 1-based): chr15:25,356,796, C>G on the plus strand (G>C on the coding strand, the complement: UBE3A is on the minus strand). VCF-style: chr15-25356796-C-G. GRCh37 (hg19) VCF-style: chr15-25601943-C-G.
Other names: c.1863G>C, p.Leu621= (NM_000462.5); c.1854G>C, p.Leu618= (NM_001354505.1, NM_001354538.2, NM_001354545.2); c.1794G>C, p.Leu598= (NM_001354506.2, NM_001354507.2, NM_001354508.2 and 17 more transcripts); c.1677G>C, p.Leu559= (NM_001354546.2); c.603G>C, p.Leu201= (NM_001354550.2); c.543G>C, p.Leu181= (NM_001354551.2).
Identifiers: ClinVar variation 699444 (VCV000699444.49), dbSNP rs370142725, ClinGen allele CA7435478.

ClinVar aggregate classification (germline): Likely benign. Review status: criteria provided, multiple submitters, no conflicts (2 of 4 stars). 2 submissions from 2 submitters: Likely benign (2). Last evaluated 2026-02-02.

Conditions:
Angelman syndrome (AS). Also called: HAPPY PUPPET SYNDROME. Identifiers: Orphanet 72, MedGen C0162635, MONDO:0007113, OMIM 105830. Disease mechanism: loss of function. Inheritance: imprinting disorder, AS is caused by disruption of maternally imprinted UBE3A located within the 15q11.2-q13 Angelman syndrome/Prader-Willi syndrome (AS/PWS) region..

Allele frequency attached by ClinVar (database versions not stated): gnomAD exomes 0.00001 and 0.00002; ExAC 0.00002; ESP Exome Variant Server 0.00008.
gnomAD v4.1: 17 of 1,613,788 alleles (0.0011%); highest among the groups gnomAD compares: Non-Finnish European, 0.0014%; no homozygotes.

Submissions (2):

Labcorp Genetics (formerly Invitae), Labcorp
Classification: Likely benign for Angelman syndrome. Last evaluated: 2026-02-02. Review status: criteria provided, single submitter. Criteria: Invitae Variant Classification Sherloc (09022015). Collection method: clinical testing. Allele origin: germline.

CeGaT Center for Human Genetics Tuebingen
Classification: Likely benign. Last evaluated: 2023-10-01. Review status: criteria provided, single submitter. Criteria: CeGaT Center For Human Genetics Tuebingen Variant Classification Criteria Version 2. Collection method: clinical testing. Allele origin: germline. Affected: yes. Observed: 2 variant alleles.
Comment: UBE3A: BP4